The following is an entry in ClinVar:

ClinVar aggregate classification (germline): Uncertain significance (1 of 4 stars; one submission).

Conditions:
DOCK2 deficiency. Also called: Immunodeficiency 40. Identifiers: Orphanet 447737, MedGen C4225328, MONDO:0014637, OMIM 616433.

Allele frequency attached by ClinVar (database versions not stated): gnomAD exomes below 0.00001; TOPMed below 0.00001; gnomAD 0.00001.
gnomAD v4.1: 3 of 1,613,864 alleles (0.00019%); highest among the groups gnomAD compares: East Asian, 0.0022%; no homozygotes.

Submission:

Labcorp Genetics (formerly Invitae), Labcorp
Classification: Uncertain significance for DOCK2 deficiency. Last evaluated: 2021-10-16. Review status: criteria provided, single submitter. Criteria: Invitae Variant Classification Sherloc (09022015). Collection method: clinical testing. Allele origin: germline.
Comment: This sequence change replaces alanine with threonine at codon 938 of the DOCK2 protein (p.Ala938Thr). The alanine residue is moderately conserved and there is a small physicochemical difference between alanine and threonine. This variant is not present in population databases (ExAC no frequency). This variant has not been reported in the literature in individuals affected with DOCK2-related conditions. Algorithms developed to predict the effect of missense changes on protein structure and function are either unavailable or do not agree on the potential impact of this missense change (SIFT: "Tolerated"; PolyPhen-2: "Possibly Damaging"; Align-GVGD: "Class C0"). In summary, the available evidence is currently insufficient to determine the role of this variant in disease. Therefore, it has been classified as a Variant of Uncertain Significance.

NM_004946.3(DOCK2):c.2812G>A (p.Ala938Thr)

Gene: DOCK2 (dedicator of cytokinesis 2; plus strand). Cytogenetic location: 5q35.1.
Variant type: single nucleotide variant.
Coding change: c.2812G>A on transcript NM_004946.3 (MANE Select); coding-DNA position 2812, G replaced by A.
Protein change: p.Ala938Thr; replaces alanine 938 with threonine.
Molecular consequence: missense variant. On other transcripts: non-coding transcript variant (1).
Genome position (GRCh38, 1-based): chr5:169,983,080, G>A. VCF-style: chr5-169983080-G-A. GRCh37 (hg19) VCF-style: chr5-169410084-G-A.
Other names: short protein forms A938T.
Identifiers: ClinVar variation 1428800 (VCV001428800.3), dbSNP rs998432090, ClinGen allele CA362202859.
Genomic context (GRCh38, chr5:169,983,080, plus strand): 5'-CATGGTCCTCTCTCAACTATTTATAGTATTTGTCTTCATTTCTTGCAGAGTCACTTTGTG[G>A]CATGTATGACAGCCATCTTAAACCAGATGGGTGACCAGCACTACTCCTTCTACATTGAGA-3'
Protein context (NP_004937.1, residues 928-948): RDHILISHFV[Ala938Thr]CMTAILNQMG